The following is an entry in ClinVar:

NM_144573.4(NEXN):c.2000G>A (p.Cys667Tyr)

Gene: NEXN (nexilin F-actin binding protein; plus strand). Cytogenetic location: 1p31.1.
Variant type: single nucleotide variant.
Coding change: c.2000G>A on transcript NM_144573.4 (MANE Select); coding-DNA position 2000, G replaced by A.
Protein change: p.Cys667Tyr; replaces cysteine 667 with tyrosine.
Molecular consequence: missense variant.
Genome position (GRCh38, 1-based): chr1:77,942,801, G>A. VCF-style: chr1-77942801-G-A. GRCh37 (hg19) VCF-style: chr1-78408486-G-A.
Other names: p.C667Y:TGT>TAT; c.1808G>A, p.Cys603Tyr (NM_001172309.2); short protein forms C667Y, C603Y.
Identifiers: ClinVar variation 201936 (VCV000201936.3), dbSNP rs794729087, ClinGen allele CA335448.

ClinVar aggregate classification (germline): Uncertain significance. Review status: criteria provided, multiple submitters, no conflicts (2 of 4 stars). 2 submissions from 2 submitters: Uncertain significance (2). Last evaluated 2024-05-06.

Conditions:
Cardiovascular phenotype. Identifiers: MedGen CN230736.

Allele frequency attached by ClinVar (database versions not stated): gnomAD exomes below 0.00001; TOPMed below 0.00001; gnomAD 0.00001.

Submissions (2):

Ambry Genetics
Classification: Uncertain significance for Cardiovascular phenotype. Last evaluated: 2024-05-06. Review status: criteria provided, single submitter. Criteria: Ambry Variant Classification Scheme 2023. Collection method: clinical testing. Allele origin: germline.
Comment: The p.C667Y variant (also known as c.2000G>A), located in coding exon 12 of the NEXN gene, results from a G to A substitution at nucleotide position 2000. The cysteine at codon 667 is replaced by tyrosine, an amino acid with highly dissimilar properties. This alteration has been reported in a prenatal cardiomyopathy cohort (Trakmulkichkarn T et al. Ultrasound Obstet Gynecol, 2022 Mar;59:325-334). This amino acid position is highly conserved in available vertebrate species. In addition, this alteration is predicted to be deleterious by in silico analysis. Based on the available evidence, the clinical significance of this variant remains unclear.

GeneDx
Classification: Uncertain significance. Last evaluated: 2017-08-09. Review status: criteria provided, single submitter. Criteria: GeneDx Variant Classification (06012015). Collection method: clinical testing. Allele origin: germline. Affected: yes.
Comment: The C667Y variant has been observed in one family in which it segregated with LVNC in three affected relatives. Limited data presented in an abstract suggested the variant resulted in abnormal cytoplasmic protein aggregation (Yuen et al., 2014); however, to our knowledge, this finding was not peer-reviewed, and it is unknown whether experimental conditions replicate the effect of the variant in vivo. The C667Y variant is a non-conservative amino acid substitution, which is likely to impact secondary protein structure as these residues differ in polarity, charge, size and/or other properties. This substitution occurs at a position that is conserved across species, and in silico analysis predicts this variant is probably damaging to the protein structure/function. Furthermore, this variant is not observed in large population cohorts (Lek et al., 2016; 1000 Genomes Consortium et al., 2015; Exome Variant Server).

Literature cited by the submitters: PubMed 34159662 (cited by Ambry Genetics).